The following is an entry in ClinVar:

NM_000091.5(COL4A3):c.3252A>T (p.Glu1084Asp)

Genes: COL4A3 (collagen type IV alpha 3 chain; plus strand), MFF-DT (MFF divergent transcript; minus strand). Cytogenetic location: 2q36.3.
Variant type: single nucleotide variant.
Coding change: c.3252A>T on transcript NM_000091.5 (MANE Select); coding-DNA position 3252, A replaced by T.
Protein change: p.Glu1084Asp; replaces glutamic acid 1084 with aspartic acid.
Molecular consequence: missense variant.
Genome position (GRCh38, 1-based): chr2:227,293,232, A>T. VCF-style: chr2-227293232-A-T. GRCh37 (hg19) VCF-style: chr2-228157948-A-T.
Other names: short protein forms E1084D.
Identifiers: ClinVar variation 1310107 (VCV001310107.7), dbSNP rs766420056, ClinGen allele CA2147165.

ClinVar aggregate classification (germline): Uncertain significance. Review status: criteria provided, multiple submitters, no conflicts (2 of 4 stars). 4 submissions from 4 submitters: Uncertain significance (4). Last evaluated 2024-06-03.

Conditions:
Autosomal dominant Alport syndrome (ATS3A). Also called: Alport syndrome dominant type; Renal failure and sensorineural hearing loss; ALPORT SYNDROME 3A, AUTOSOMAL DOMINANT. Identifiers: Orphanet 63, Orphanet 88918, MedGen C5882663, MONDO:0007086, OMIM 104200.
Hematuria, benign familial, 2 (BFH2). Identifiers: MedGen C5830421, MONDO:0958186, OMIM 620320.
Alport syndrome 3b, autosomal recessive. Identifiers: MedGen C5882699, MONDO:0957811, OMIM 620536.

Allele frequency attached by ClinVar (database versions not stated): gnomAD 0.00001; gnomAD exomes 0.00001 and 0.00003; TOPMed 0.00001; ExAC 0.00002.
gnomAD v4.1: 49 of 1,613,866 alleles (0.003%); highest among the groups gnomAD compares: Non-Finnish European, 0.0041%; no homozygotes.

Submissions (4):

Fulgent Genetics
Classification: Uncertain significance for Autosomal dominant Alport syndrome; Hematuria, benign familial, 2; Alport syndrome 3b, autosomal recessive. Last evaluated: 2024-06-03. Review status: criteria provided, single submitter. Criteria: ACMG Guidelines, 2015. Collection method: clinical testing. Allele origin: germline.

GeneDx
Classification: Uncertain significance. Last evaluated: 2024-04-11. Review status: criteria provided, single submitter. Criteria: GeneDx Variant Classification Process June 2021. Collection method: clinical testing. Allele origin: germline. Affected: yes.
Comment: Not observed at significant frequency in large population cohorts (gnomAD); In silico analysis indicates that this missense variant does not alter protein structure/function; Has not been previously published as pathogenic or benign to our knowledge; Occurs in the triple helical domain at the X position in the canonical Gly-X-Y repeat; although this variant may have an effect on normal protein folding and function, missense substitution at the X position is not a common mechanism of disease

Blueprint Genetics
Classification: Uncertain significance. Last evaluated: 2024-01-31. Review status: criteria provided, single submitter. Criteria: ACMG Guidelines, 2015. Collection method: clinical testing. Allele origin: germline.

Labcorp Genetics (formerly Invitae), Labcorp
Classification: Uncertain significance. Last evaluated: 2021-10-22. Review status: criteria provided, single submitter. Criteria: Invitae Variant Classification Sherloc (09022015). Collection method: clinical testing. Allele origin: germline.
Comment: This sequence change replaces glutamic acid with aspartic acid at codon 1084 of the COL4A3 protein (p.Glu1084Asp). The glutamic acid residue is moderately conserved and there is a small physicochemical difference between glutamic acid and aspartic acid. This variant is present in population databases (rs766420056, ExAC 0.003%). This variant has not been reported in the literature in individuals with COL4A3-related conditions. In summary, the available evidence is currently insufficient to determine the role of this variant in disease. Therefore, it has been classified as a Variant of Uncertain Significance.